The following is an entry in ClinVar:

NC_000008.10:g.(?_143993936)_(143994311_?)del

Gene: CYP11B2 (cytochrome P450 family 11 subfamily B member 2; minus strand). Cytogenetic location: 8q24.3.
Variant type: Deletion.
Identifiers: ClinVar variation 2423179 (VCV002423179.3).

ClinVar aggregate classification (germline): Pathogenic (1 of 4 stars; one submission).

Submission:

Labcorp Genetics (formerly Invitae), Labcorp
Classification: Pathogenic. Last evaluated: 2022-09-23. Review status: criteria provided, single submitter. Criteria: Invitae Variant Classification Sherloc (09022015). Collection method: clinical testing. Allele origin: germline.
Comment: This variant is a gross deletion of the genomic region encompassing exon(s) 7-8 of the CYP11B2 gene. This deletion is out-of-frame, and is expected to create a premature termination codon and result in an absent or disrupted protein product. Loss-of-function variants in CYP11B2 are known to be pathogenic (PMID: 20494601, 22801770, 26936515). This variant has not been reported in the literature in individuals affected with CYP11B2-related conditions. For these reasons, this variant has been classified as Pathogenic.

Literature cited by the submitters: PubMed 20494601; PubMed 22801770; PubMed 26936515.